The following is an entry in ClinVar:

ClinVar aggregate classification (germline): Conflicting classifications of pathogenicity. Review status: criteria provided, conflicting classifications (1 of 4 stars). 4 submissions from 4 submitters: Uncertain significance (3); Likely benign (1). Last evaluated 2026-02-02.

Conditions:
Rienhoff syndrome. Also called: LOEYS-DIETZ SYNDROME 5. Identifiers: MedGen C3810012, MONDO:0014262, OMIM 615582.
Arrhythmogenic right ventricular dysplasia 1. Identifiers: Orphanet 3403, MedGen C1862511, MONDO:0007152, OMIM 107970.
Familial thoracic aortic aneurysm and aortic dissection (TAAD). Also called: Thoracic aortic aneurysms and dissections. Identifiers: Orphanet 91387, MedGen C4707243, MONDO:0019625.

Allele frequency attached by ClinVar (database versions not stated): ExAC 0.00003; gnomAD exomes 0.00004 and 0.00005; gnomAD 0.00007 and 0.00008; TOPMed 0.00012.

Submissions (4):

Labcorp Genetics (formerly Invitae), Labcorp
Classification: Uncertain significance for Rienhoff syndrome. Last evaluated: 2026-02-02. Review status: criteria provided, single submitter. Criteria: Invitae Variant Classification Sherloc (09022015). Collection method: clinical testing. Allele origin: germline.
Comment: This sequence change replaces glycine, which is neutral and non-polar, with serine, which is neutral and polar, at codon 33 of the TGFB3 protein (p.Gly33Ser). This variant is present in population databases (rs781353815, gnomAD 0.009%). This missense change has been observed in individual(s) with clinical features of TGFB3-related conditions (PMID: 28166282, 29247119). ClinVar contains an entry for this variant (Variation ID: 410270). An algorithm developed to predict the effect of missense changes on protein structure and function outputs the following: PolyPhen-2: "Benign". The serine amino acid residue is found in multiple mammalian species, which suggests that this missense change does not adversely affect protein function. In summary, the available evidence is currently insufficient to determine the role of this variant in disease. Therefore, it has been classified as a Variant of Uncertain Significance.

Ambry Genetics
Classification: Likely benign for Familial thoracic aortic aneurysm and aortic dissection. Last evaluated: 2025-03-07. Review status: criteria provided, single submitter. Criteria: Ambry Variant Classification Scheme 2023. Collection method: clinical testing. Allele origin: germline.

GeneDx
Classification: Uncertain significance. Last evaluated: 2022-10-25. Review status: criteria provided, single submitter. Criteria: GeneDx Variant Classification Process June 2021. Collection method: clinical testing. Allele origin: germline. Affected: yes.
Comment: Reported in association with sudden unexplained death (Sanchez et al., 2016; Lin et al., 2017); In silico analysis supports that this missense variant does not alter protein structure/function; This variant is associated with the following publications: (PMID: 27930701, 29247119)

Fulgent Genetics
Classification: Uncertain significance for Arrhythmogenic right ventricular dysplasia 1; Rienhoff syndrome. Last evaluated: 2021-09-01. Review status: criteria provided, single submitter. Criteria: ACMG Guidelines, 2015. Collection method: clinical testing. Allele origin: unknown.

Literature cited by the submitters: PubMed 28166282 (cited by Labcorp Genetics (formerly Invitae), Labcorp and Ambry Genetics); PubMed 29247119 (cited by Labcorp Genetics (formerly Invitae), Labcorp and Ambry Genetics).

NM_003239.5(TGFB3):c.97G>A (p.Gly33Ser)

Gene: TGFB3 (transforming growth factor beta 3; minus strand). Cytogenetic location: 14q24.3.
Variant type: single nucleotide variant.
Coding change: c.97G>A on transcript NM_003239.5 (MANE Select); coding-DNA position 97, G replaced by A.
Protein change: p.Gly33Ser; replaces glycine 33 with serine.
Molecular consequence: missense variant.
Genome position (GRCh38, 1-based): chr14:75,980,797, C>T on the plus strand (G>A on the coding strand, the complement: TGFB3 is on the minus strand). VCF-style: chr14-75980797-C-T. GRCh37 (hg19) VCF-style: chr14-76447140-C-T.
Other names: c.97G>A, p.Gly33Ser (NM_001329938.2, NM_001329939.2); short protein forms G33S.
Identifiers: ClinVar variation 410270 (VCV000410270.21), dbSNP rs781353815, ClinGen allele CA7280518.